The following is an entry in ClinVar:

ClinVar aggregate classification (germline): Uncertain significance (1 of 4 stars; one submission).

gnomAD v4.1: 3 of 1,614,124 alleles (0.00019%); highest among the groups gnomAD compares: Non-Finnish European, 0.00025%; no homozygotes.

Submission:

GeneDx
Classification: Uncertain significance. Last evaluated: 2026-07-09. Review status: criteria provided, single submitter. Criteria: GeneDx Variant Classification Process June 2021. Collection method: clinical testing. Allele origin: germline.
Comment: Not observed at significant frequency in large population cohorts (gnomAD); In silico analysis supports that this missense variant has a deleterious effect on protein structure/function; Has not been previously published as pathogenic or benign to our knowledge

NM_001374828.1(ARID1B):c.5275G>T (p.Ala1759Ser)

Gene: ARID1B (AT-rich interaction domain 1B; plus strand). Cytogenetic location: 6q25.3.
Variant type: single nucleotide variant.
Coding change: c.5275G>T on transcript NM_001374828.1 (MANE Select); coding-DNA position 5275, G replaced by T.
Protein change: p.Ala1759Ser; replaces alanine 1759 with serine.
Molecular consequence: missense variant.
Genome position (GRCh38, 1-based): chr6:157,203,877, G>T. VCF-style: chr6-157203877-G-T. GRCh37 (hg19) VCF-style: chr6-157525011-G-T.
Other names: c.2776G>T, p.Ala926Ser (NM_001363725.2); c.5155G>T, p.Ala1719Ser (NM_001371656.1, NM_001374820.1); c.5116G>T, p.Ala1706Ser (NM_017519.3); c.4906G>T (NM_020732.3); short protein forms A1706S, A1719S, A1759S, A926S.
Identifiers: ClinVar variation 3363259 (VCV003363259.2).